The following is an entry in ClinVar:

NM_006363.6(SEC23B):c.1517C>T (p.Ala506Val)

Gene: SEC23B (SEC23 homolog B, COPII component; plus strand). Cytogenetic location: 20p11.23.
Variant type: single nucleotide variant.
Coding change: c.1517C>T on transcript NM_006363.6 (MANE Select); coding-DNA position 1517, C replaced by T.
Protein change: p.Ala506Val; replaces alanine 506 with valine.
Molecular consequence: missense variant.
Genome position (GRCh38, 1-based): chr20:18,543,024, C>T. VCF-style: chr20-18543024-C-T. GRCh37 (hg19) VCF-style: chr20-18523668-C-T.
Other names: NC_000020.10:g.18523668C>T; c.1517C>T, p.Ala506Val (NM_001172745.3, NM_032985.6, NM_032986.5); c.1463C>T, p.Ala488Val (NM_001172746.3); short protein forms A488V, A506V.
Identifiers: ClinVar variation 4077492 (VCV004077492.4).

ClinVar aggregate classification (germline): Conflicting classifications of pathogenicity. Review status: criteria provided, conflicting classifications (1 of 4 stars). 2 submissions from 2 submitters: Likely pathogenic (1); Uncertain significance (1). Last evaluated 2024-12-12.

Conditions:
Cowden syndrome 7 (CWS7). Identifiers: Orphanet 201, MedGen C4225179, MONDO:0014802, OMIM 616858.
Congenital dyserythropoietic anemia, type II (CDAN2). Also called: DYSERYTHROPOIETIC ANEMIA, HEMPAS TYPE. Identifiers: Orphanet 98873, MedGen C1306589, MONDO:0009134, OMIM 224100.

gnomAD v4.1: 5 of 1,614,030 alleles (0.00031%); highest among the groups gnomAD compares: South Asian, 0.0044%; no homozygotes.

Submissions (3):

Revvity Omics, Revvity
Classification: Likely pathogenic. Last evaluated: 2024-12-12. Review status: criteria provided, single submitter. Criteria: ACMG Guidelines, 2015. Collection method: clinical testing. Allele origin: germline.

Juno Genomics, Hangzhou Juno Genomics, Inc
Classification: Uncertain significance for Cowden syndrome 7; Congenital dyserythropoietic anemia, type II. Review status: criteria provided, single submitter. Criteria: ACMG Guidelines, 2015. Collection method: clinical testing. Allele origin: germline.
Comment: Absent from controls (or at extremely low frequency if recessive) in Genome Aggregation Database.;Multiple lines of computational evidence support a deleterious effect on the gene or gene product.

Dr. Peter K. Rogan Lab, Western University
No classification provided (evidence only). Condition: Gastric cancer. Review status: no classification provided. Collection method: in vitro. Allele origin: not applicable. Functional consequence: retained intron. Not counted in ClinVar's aggregate classification.